The following is an entry in ClinVar:

NM_002150.3(HPD):c.204_205del (p.Phe69fs)

Genes: TIALD (transcript inducer of AURKA lysosomal degradation; plus strand), HPD (4-hydroxyphenylpyruvate dioxygenase; minus strand), LOC126861662 (MED14-independent group 3 enhancer GRCh37_chr12:122293687-122294886; plus strand). Cytogenetic location: 12q24.31.
Variant type: Microsatellite.
Coding change: c.204_205del on transcript NM_002150.3 (MANE Select); coding-DNA positions 204 to 205, 2 bases deleted (GT; older notation c.204_205delGT).
Protein change: p.Phe69fs; shifts the reading frame from phenylalanine 69.
Molecular consequence: frameshift variant.
Genome position (GRCh38, 1-based): chr12:121,856,619-121,856,620, AC deleted on the plus strand (GT on the coding strand, the reverse complement: HPD is on the minus strand); deleting any 2 consecutive bases within chr12:121,856,619-121,856,623 gives the same sequence; the c. name uses the placement nearest the transcript's 3' end. VCF-style (leftmost placement, unchanged base first): chr12-121856618-AAC-A. GRCh37 (hg19) VCF-style: chr12-122294524-AAC-A.
Other names: c.87_88del, p.Phe30fs (NM_001171993.2); short protein forms F30fs, F69fs.
Identifiers: ClinVar variation 1405283 (VCV001405283.6), dbSNP rs2137631671, ClinGen allele CA2580614592.

ClinVar aggregate classification (germline): Pathogenic (1 of 4 stars; one submission).

Conditions:
Hawkinsinuria. Identifiers: Orphanet 2118, MedGen C2931042, MONDO:0007700, OMIM 140350, HP:0034457.
Tyrosinemia type III. Also called: Tyrosinemia type 3; 4-alpha hydroxyphenylpyruvic acid oxidase deficiency; 4-alpha hydroxyphenylpyruvate dioxygenase deficiency; 4-Hydroxyphenylpyruvate dioxygenase deficiency; 4-HYDROXYPHENYLPYRUVIC ACID OXIDASE DEFICIENCY. Identifiers: Orphanet 69723, MedGen C0268623, MONDO:0010162, OMIM 276710.

Submission:

Labcorp Genetics (formerly Invitae), Labcorp
Classification: Pathogenic for Tyrosinemia type III; Hawkinsinuria. Last evaluated: 2023-11-13. Review status: criteria provided, single submitter. Criteria: Invitae Variant Classification Sherloc (09022015). Collection method: clinical testing. Allele origin: germline.
Comment: This sequence change creates a premature translational stop signal (p.Phe69Cysfs*22) in the HPD gene. It is expected to result in an absent or disrupted protein product. Loss-of-function variants in HPD are known to be pathogenic (PMID: 10942115, 23036342). This variant is not present in population databases (gnomAD no frequency). This variant has not been reported in the literature in individuals affected with HPD-related conditions. For these reasons, this variant has been classified as Pathogenic.

Literature cited by the submitters: PubMed 10942115; PubMed 23036342.